The following is an entry in ClinVar:

NM_024301.5(FKRP):c.1315G>A (p.Val439Met)

Gene: FKRP (fukutin related protein; plus strand). Cytogenetic location: 19q13.32.
Variant type: single nucleotide variant.
Coding change: c.1315G>A on transcript NM_024301.5 (MANE Select); coding-DNA position 1315, G replaced by A.
Protein change: p.Val439Met; replaces valine 439 with methionine.
Molecular consequence: missense variant.
Genome position (GRCh38, 1-based): chr19:46,756,765, G>A. VCF-style: chr19-46756765-G-A. GRCh37 (hg19) VCF-style: chr19-47260022-G-A.
Other names: c.1315G>A, p.Val439Met (NM_001039885.3); short protein forms V439M.
Identifiers: ClinVar variation 1769786 (VCV001769786.2), dbSNP rs2513999028, ClinGen allele CA406497115.

ClinVar aggregate classification (germline): Uncertain significance (1 of 4 stars; one submission).

Conditions:
Cardiovascular phenotype. Identifiers: MedGen CN230736.

Submission:

Ambry Genetics
Classification: Uncertain significance for Cardiovascular phenotype. Last evaluated: 2021-03-02. Review status: criteria provided, single submitter. Criteria: Ambry Variant Classification Scheme 2023. Collection method: clinical testing. Allele origin: germline.
Comment: The p.V439M variant (also known as c.1315G>A), located in coding exon 1 of the FKRP gene, results from a G to A substitution at nucleotide position 1315. The valine at codon 439 is replaced by methionine, an amino acid with highly similar properties. This amino acid position is well conserved in available vertebrate species. In addition, the in silico prediction for this alteration is inconclusive. Since supporting evidence is limited at this time, the clinical significance of this alteration remains unclear.